The following is an entry in ClinVar:

NM_017637.6(BNC2):c.538C>G (p.Gln180Glu)

Gene: BNC2 (basonuclin zinc finger protein 2; minus strand). Cytogenetic location: 9p22.3.
Variant type: single nucleotide variant.
Coding change: c.538C>G on transcript NM_017637.6 (MANE Select); coding-DNA position 538, C replaced by G.
Protein change: p.Gln180Glu; replaces glutamine 180 with glutamic acid.
Molecular consequence: missense variant.
Genome position (GRCh38, 1-based): chr9:16,552,661, G>C on the plus strand (C>G on the coding strand, the complement: BNC2 is on the minus strand). VCF-style: chr9-16552661-G-C. GRCh37 (hg19) VCF-style: chr9-16552659-G-C.
Other names: c.412C>G, p.Gln138Glu (NM_001317939.2); c.253C>G, p.Gln85Glu (NM_001317940.2); short protein forms Q180E, Q85E, Q138E.
Identifiers: ClinVar variation 2745173 (VCV002745173.3), dbSNP rs2548283699, ClinGen allele CA373097614.
Genomic context (GRCh38, chr9:16,552,661, plus strand): 5'-CTTGCTTCAGGACGCTGAAGAGACGGTCCAGCAGGATCTTTAGCCGCACAGGCACTGCTT[G>C]TGTCCCATAGAGCATCAGGCTGCTGATGTCAAACACGACGTTGGACTGCACAATCTCCAC-3'
Protein context (NP_060107.3, residues 170-190): DISSLMLYGT[Gln180Glu]AVPVRLKILL

ClinVar aggregate classification (germline): Uncertain significance (1 of 4 stars; one submission).

Submission:

Labcorp Genetics (formerly Invitae), Labcorp
Classification: Uncertain significance. Last evaluated: 2023-10-05. Review status: criteria provided, single submitter. Criteria: Invitae Variant Classification Sherloc (09022015). Collection method: clinical testing. Allele origin: germline.
Comment: This sequence change replaces glutamine, which is neutral and polar, with glutamic acid, which is acidic and polar, at codon 180 of the BNC2 protein (p.Gln180Glu). This variant is not present in population databases (gnomAD no frequency). This variant has not been reported in the literature in individuals affected with BNC2-related conditions. An algorithm developed to predict the effect of missense changes on protein structure and function (PolyPhen-2) suggests that this variant is likely to be disruptive. In summary, the available evidence is currently insufficient to determine the role of this variant in disease. Therefore, it has been classified as a Variant of Uncertain Significance.